The following is an entry in ClinVar:

ClinVar aggregate classification (germline): Benign. Review status: criteria provided, multiple submitters, no conflicts (2 of 4 stars). 3 submissions from 3 submitters: Benign (2). 1 of the submissions does not count toward it. Last evaluated 2021-06-10.

Conditions:
NLRP14-related disorder. Also called: NLRP14-related condition.

Allele frequency attached by ClinVar (database versions not stated): 1000 Genomes Project 0.09605; 1000 Genomes Project 30x 0.09728; gnomAD exomes 0.14804 and 0.19424; ExAC 0.14946; gnomAD 0.15054 and 0.15416; TOPMed 0.15417; ESP Exome Variant Server 0.17054.
gnomAD v4.1: 305,262 of 1,608,730 alleles (19%); highest among the groups gnomAD compares: Non-Finnish European, 22%; 31,805 homozygotes.

Submissions (3):

GeneDx
Classification: Benign. Last evaluated: 2021-06-10. Review status: criteria provided, single submitter. Criteria: GeneDx Variant Classification Process June 2021. Collection method: clinical testing. Allele origin: germline. Affected: yes.

Breakthrough Genomics
Classification: Benign. Review status: criteria provided, single submitter. Criteria: ACMG Guidelines, 2015. Collection method: not provided. Allele origin: germline. Inheritance: Unknown mechanism. Affected: yes.

PreventionGenetics, part of Exact Sciences
Classification: Benign for NLRP14-related condition. Last evaluated: 2019-10-21. Review status: no assertion criteria provided. Collection method: clinical testing. Allele origin: germline. Not counted in ClinVar's aggregate classification.
Comment: This variant is classified as benign based on ACMG/AMP sequence variant interpretation guidelines (Richards et al. 2015 PMID: 25741868, with internal and published modifications).

NM_176822.4(NLRP14):c.3028C>T (p.Leu1010Phe)

Gene: NLRP14 (NLR family pyrin domain containing 14; plus strand). Cytogenetic location: 11p15.4.
Variant type: single nucleotide variant.
Coding change: c.3028C>T on transcript NM_176822.4 (MANE Select); coding-DNA position 3028, C replaced by T.
Protein change: p.Leu1010Phe; replaces leucine 1010 with phenylalanine.
Molecular consequence: missense variant.
Genome position (GRCh38, 1-based): chr11:7,070,338, C>T. VCF-style: chr11-7070338-C-T. GRCh37 (hg19) VCF-style: chr11-7091569-C-T.
Other names: short protein forms L1010F.
Identifiers: ClinVar variation 1222316 (VCV001222316.6), dbSNP rs17280682, ClinGen allele CA5865241.